The following is an entry in ClinVar:

ClinVar aggregate classification (germline): Pathogenic (1 of 4 stars; one submission).

Submission:

Athena Diagnostics
Classification: Pathogenic. Last evaluated: 2020-01-16. Review status: criteria provided, single submitter. Criteria: Athena Diagnostics Criteria. Collection method: clinical testing. Allele origin: unknown.
Comment: The variant results in a shift of the reading frame, and is therefore predicted to result in the loss of a functional protein. Found in at least one patient with expected phenotype for this gene, and not found in general population data.

NM_000088.4(COL1A1):c.2969del (p.Ala990fs)

Gene: COL1A1 (collagen type I alpha 1 chain; minus strand). Cytogenetic location: 17q21.33.
Variant type: Deletion.
Coding change: c.2969del on transcript NM_000088.4 (MANE Select); coding-DNA position 2969, one base deleted (C; older notation c.2969delC).
Protein change: p.Ala990fs; shifts the reading frame from alanine 990.
Molecular consequence: frameshift variant.
Genome position (GRCh38, 1-based): chr17:50,188,979, G deleted on the plus strand (C on the coding strand, the reverse complement: COL1A1 is on the minus strand). VCF-style (leftmost placement, unchanged base first): chr17-50188978-TG-T. GRCh37 (hg19) VCF-style: chr17-48266339-TG-T.
Other names: short protein forms A990fs.
Identifiers: ClinVar variation 995277 (VCV000995277.1), dbSNP rs1906821341, ClinGen allele CA1139665691.